The following is an entry in ClinVar:

NM_001374736.1(DST):c.23438del (p.Asp7813fs)

Gene: DST (dystonin; minus strand). Cytogenetic location: 6p12.1.
Variant type: Deletion.
Coding change: c.23438del on transcript NM_001374736.1 (MANE Select); coding-DNA position 23438, one base deleted (A; older notation c.23438delA).
Protein change: p.Asp7813fs; shifts the reading frame from aspartic acid 7813.
Molecular consequence: frameshift variant.
Genome position (GRCh38, 1-based): chr6:56,459,024, T deleted on the plus strand (A on the coding strand, the reverse complement: DST is on the minus strand). VCF-style (leftmost placement, unchanged base first): chr6-56459023-GT-G. GRCh37 (hg19) VCF-style: chr6-56323821-GT-G.
Other names: c.17009del, p.Asp5670fs (NM_001144769.5); c.16595del, p.Asp5532fs (NM_001144770.2); c.23366del, p.Asp7789fs (NM_001374722.1); c.22367del, p.Asp7456fs (NM_001374729.1); c.16109del, p.Asp5370fs (NM_001374730.1); c.23393del, p.Asp7798fs (NM_001374734.1); c.16457del, p.Asp5486fs (NM_001386100.1); c.15497del, p.Asp5166fs (NM_015548.5); and 1 more; short protein forms D5166fs, D5370fs, D5486fs, D5492fs, D5532fs, D5670fs, D7456fs, D7789fs.
Identifiers: ClinVar variation 1058266 (VCV001058266.7), dbSNP rs2152365958, ClinGen allele CA2499218403.

ClinVar aggregate classification (germline): Uncertain significance (1 of 4 stars; one submission).

Conditions:
Hereditary sensory and autonomic neuropathy type 6. Also called: HSAN VI; Neuropathy, hereditary sensory and autonomic, type VI. Identifiers: Orphanet 314381, MedGen C3539003, MONDO:0013839, OMIM 614653.
Epidermolysis bullosa simplex 3, localized or generalized intermediate, with BP230 deficiency (EBS3). Also called: Epidermolysis bullosa simplex due to BP230 deficiency; Epidermolysis bullosa simplex, autosomal recessive 2. Identifiers: Orphanet 412181, MedGen C3809470, MONDO:0014180, OMIM 615425.

Submission:

Labcorp Genetics (formerly Invitae), Labcorp
Classification: Uncertain significance for Epidermolysis bullosa simplex 3, localized or generalized intermediate, with BP230 deficiency; Hereditary sensory and autonomic neuropathy type 6. Last evaluated: 2020-03-09. Review status: criteria provided, single submitter. Criteria: Invitae Variant Classification Sherloc (09022015). Collection method: clinical testing. Allele origin: germline.
Comment: In summary, the available evidence is currently insufficient to determine the role of this variant in disease. Therefore, it has been classified as a Variant of Uncertain Significance. Experimental studies and prediction algorithms are not available or were not evaluated, and the functional significance of this variant is currently unknown. This variant has not been reported in the literature in individuals with DST-related conditions. This variant is not present in population databases (ExAC no frequency). This sequence change results in a frameshift in the DST gene (p.Asp5166Alafs*17). While this is not anticipated to result in nonsense mediated decay, it is expected to disrupt the last 6 amino acids of the DST protein and extend the protein by an additional 10 amino acids. The DST gene has multiple clinically relevant transcripts. This variant occurs in alternate transcript NM_015548.4, and corresponds to NM_001723.5:c.*156493del in the primary transcript.